The following is an entry in ClinVar:

NM_000038.6(APC):c.8411A>G (p.Gln2804Arg)

Gene: APC (APC regulator of Wnt signaling pathway; plus strand). Cytogenetic location: 5q22.2.
Variant type: single nucleotide variant.
Coding change: c.8411A>G on transcript NM_000038.6 (MANE Select); coding-DNA position 8411, A replaced by G.
Protein change: p.Gln2804Arg; replaces glutamine 2804 with arginine.
Molecular consequence: missense variant.
Genome position (GRCh38, 1-based): chr5:112,844,005, A>G. VCF-style: chr5-112844005-A-G. GRCh37 (hg19) VCF-style: chr5-112179702-A-G.
Other names: c.8411A>G, p.Gln2804Arg (NM_001127510.3, NM_001354895.2); c.8357A>G, p.Gln2786Arg (NM_001127511.3); c.8465A>G, p.Gln2822Arg (NM_001354896.2); c.8441A>G, p.Gln2814Arg (NM_001354897.2); c.8336A>G, p.Gln2779Arg (NM_001354898.2); c.8327A>G, p.Gln2776Arg (NM_001354899.2); c.8288A>G, p.Gln2763Arg (NM_001354900.2); c.8234A>G, p.Gln2745Arg (NM_001354901.2); and 5 more; short protein forms Q2521R, Q2644R, Q2713R, Q2763R, Q2703R, Q2745R, Q2776R, Q2779R.
Identifiers: ClinVar variation 822394 (VCV000822394.22), dbSNP rs1475247315, ClinGen allele CA16039582.

ClinVar aggregate classification (germline): Conflicting classifications of pathogenicity. Review status: criteria provided, conflicting classifications (1 of 4 stars). 5 submissions from 5 submitters: Uncertain significance (4); Likely benign (1). Last evaluated 2025-05-11.

Conditions:
Familial adenomatous polyposis 1 (FAP1). Also called: FAMILIAL ADENOMATOUS POLYPOSIS 1, ATTENUATED; POLYPOSIS, ADENOMATOUS INTESTINAL. Identifiers: MedGen C2713442, MONDO:0021056, OMIM 175100. Disease mechanism: loss of function.
Hereditary cancer-predisposing syndrome. Also called: Tumor predisposition; Hereditary Cancer Syndrome; Neoplastic Syndromes, Hereditary; Hereditary neoplastic syndrome. Identifiers: Orphanet 140162, MedGen C0027672, MeSH D009386, MONDO:0015356.

Allele frequency attached by ClinVar (database versions not stated): gnomAD exomes below 0.00001.
gnomAD v4.1: 1 of 1,601,546 alleles (0.000062%); highest among the groups gnomAD compares: Admixed American, 0.0017%; no homozygotes.

Submissions (5):

Labcorp Genetics (formerly Invitae), Labcorp
Classification: Uncertain significance for Familial adenomatous polyposis 1. Last evaluated: 2025-05-11. Review status: criteria provided, single submitter. Criteria: Invitae Variant Classification Sherloc (09022015). Collection method: clinical testing. Allele origin: germline.
Comment: This sequence change replaces glutamine, which is neutral and polar, with arginine, which is basic and polar, at codon 2804 of the APC protein (p.Gln2804Arg). This variant is present in population databases (no rsID available, gnomAD 0.003%). This variant has not been reported in the literature in individuals affected with APC-related conditions. ClinVar contains an entry for this variant (Variation ID: 822394). Invitae Evidence Modeling of protein sequence and biophysical properties (such as structural, functional, and spatial information, amino acid conservation, physicochemical variation, residue mobility, and thermodynamic stability) indicates that this missense variant is not expected to disrupt APC protein function with a negative predictive value of 95%. In summary, the available evidence is currently insufficient to determine the role of this variant in disease. Therefore, it has been classified as a Variant of Uncertain Significance.

Color Diagnostics, LLC DBA Color Health
Classification: Uncertain significance for Hereditary cancer-predisposing syndrome. Last evaluated: 2024-03-06. Review status: criteria provided, single submitter. Criteria: ACMG Guidelines, 2015. Collection method: clinical testing. Allele origin: germline.
Comment: This missense variant replaces glutamine with arginine at codon 2804 of the APC protein. Computational prediction suggests that this variant may not impact protein structure and function (internally defined REVEL score threshold <= 0.5, PMID: 27666373). Splice site prediction tools suggest that this variant may not impact RNA splicing. To our knowledge, functional studies have not been performed for this variant. This variant has not been reported in individuals affected with hereditary cancer in the literature. This variant has been identified in 1/238530 chromosomes in the general population by the Genome Aggregation Database (gnomAD). The available evidence is insufficient to determine the role of this variant in disease conclusively. Therefore, this variant is classified as a Variant of Uncertain Significance.

GeneDx
Classification: Uncertain significance. Last evaluated: 2023-11-08. Review status: criteria provided, single submitter. Criteria: GeneDx Variant Classification Process June 2021. Collection method: clinical testing. Allele origin: germline. Affected: yes.
Comment: Not observed at significant frequency in large population cohorts (gnomAD); In silico analysis supports that this missense variant does not alter protein structure/function; Has not been previously published as pathogenic or benign to our knowledge; This variant is associated with the following publications: (PMID: 18199528)

Baylor Genetics
Classification: Uncertain significance for Familial adenomatous polyposis 1. Last evaluated: 2023-10-23. Review status: criteria provided, single submitter. Criteria: ACMG Guidelines, 2015. Collection method: clinical testing. Allele origin: unknown.

Ambry Genetics
Classification: Likely benign for Hereditary cancer-predisposing syndrome. Last evaluated: 2019-07-24. Review status: criteria provided, single submitter. Criteria: Ambry Variant Classification Scheme 2023. Collection method: clinical testing. Allele origin: germline.